The following is an entry in ClinVar:

NM_001385125.1(OPN1SW):c.1014G>T (p.Ser338=)

Genes: CALU (calumenin; plus strand), OPN1SW (opsin 1, short wave sensitive; minus strand). Cytogenetic location: 7q32.1.
Variant type: single nucleotide variant.
Coding change: c.1014G>T on transcript NM_001385125.1 (MANE Select); coding-DNA position 1014, G replaced by T.
Protein change: p.Ser338=; no amino-acid change (serine 338 retained).
Molecular consequence: synonymous variant. On other transcripts: 3 prime UTR variant (5), non-coding transcript variant (1).
Genome position (GRCh38, 1-based): chr7:128,772,564, C>A on the plus strand (G>T on the coding strand, the complement: OPN1SW is on the minus strand). VCF-style: chr7-128772564-C-A. GRCh37 (hg19) VCF-style: chr7-128412618-C-A.
Other names: NM_001708.2:c.1023G>T; c.*3397C>A (NM_001130674.3, NM_001199671.2, NM_001199672.2 and 1 more transcripts); c.*3470C>A (NM_001199673.2).
Identifiers: ClinVar variation 1167587 (VCV001167587.17), dbSNP rs140568559, ClinGen allele CA4472764.

ClinVar aggregate classification (germline): Benign/Likely benign. Review status: criteria provided, multiple submitters, no conflicts (2 of 4 stars). 6 submissions from 6 submitters: Benign (2); Likely benign (1). 3 of the submissions do not count toward it. Last evaluated 2026-01-26.

Conditions:
OPN1SW-related disorder. Also called: OPN1SW-related condition.

Allele frequency attached by ClinVar (database versions not stated): ESP Exome Variant Server 0.00115; gnomAD 0.00118 and 0.00127; gnomAD exomes 0.00124; ExAC 0.00128.
gnomAD v4.1: 1,952 of 1,614,140 alleles (0.12%); highest among the groups gnomAD compares: Middle Eastern, 0.79%; 7 homozygotes.

Submissions (8):

Labcorp Genetics (formerly Invitae), Labcorp
Classification: Benign. Last evaluated: 2026-01-26. Review status: criteria provided, single submitter. Criteria: Invitae Variant Classification Sherloc (09022015). Collection method: clinical testing. Allele origin: germline.

Blueprint Genetics
Classification: Likely benign. Last evaluated: 2024-11-07. Review status: criteria provided, single submitter. Criteria: ACMG Guidelines, 2015. Collection method: clinical testing. Allele origin: germline.

Breakthrough Genomics
Classification: Benign. Review status: criteria provided, single submitter. Criteria: ACMG Guidelines, 2015. Collection method: not provided. Allele origin: germline. Inheritance: Autosomal dominant inheritance. Affected: yes.

PreventionGenetics, part of Exact Sciences
Classification: Likely benign for OPN1SW-related condition. Last evaluated: 2020-02-26. Review status: no assertion criteria provided. Collection method: clinical testing. Allele origin: germline. Not counted in ClinVar's aggregate classification.
Comment: This variant is classified as likely benign based on ACMG/AMP sequence variant interpretation guidelines (Richards et al. 2015 PMID: 25741868, with internal and published modifications).

Clinical Genetics DNA and cytogenetics Diagnostics Lab, Erasmus MC, Erasmus Medical Center
Classification: Likely benign. Review status: no assertion criteria provided. Collection method: clinical testing. Allele origin: germline. Affected: yes. Study: VKGL Data-share Consensus. Not counted in ClinVar's aggregate classification.

Clinical Genetics, Academic Medical Center
Classification: Likely benign. Review status: no assertion criteria provided. Collection method: clinical testing. Allele origin: germline. Affected: yes. Study: VKGL Data-share Consensus. Not counted in ClinVar's aggregate classification.

Dr. Peter K. Rogan Lab, Western University
No classification provided (evidence only). Condition: Lung cancer. Review status: no classification provided. Collection method: in vitro. Allele origin: not applicable. Functional consequence: retained intron. Not counted in ClinVar's aggregate classification.

Dr. Peter K. Rogan Lab, Western University
No classification provided (evidence only). Condition: Thyroid cancer, nonmedullary, 1. Review status: no classification provided. Collection method: in vitro. Allele origin: not applicable. Functional consequence: retained intron. Not counted in ClinVar's aggregate classification.